The following is an entry in ClinVar:

NM_001844.5(COL2A1):c.3589G>A (p.Gly1197Ser)

Gene: COL2A1 (collagen type II alpha 1 chain; minus strand). Cytogenetic location: 12q13.11.
Variant type: single nucleotide variant.
Coding change: c.3589G>A on transcript NM_001844.5 (MANE Select); coding-DNA position 3589, G replaced by A.
Protein change: p.Gly1197Ser; replaces glycine 1197 with serine.
Molecular consequence: missense variant.
Genome position (GRCh38, 1-based): chr12:47,975,971, C>T on the plus strand (G>A on the coding strand, the complement: COL2A1 is on the minus strand). VCF-style: chr12-47975971-C-T. GRCh37 (hg19) VCF-style: chr12-48369754-C-T.
Other names: G997S; c.3382G>A, p.Gly1128Ser (NM_033150.3); short protein forms G1128S, G1197S.
Identifiers: ClinVar variation 17361 (VCV000017361.38), dbSNP rs121912870, ClinGen allele CA250671.

ClinVar aggregate classification (germline): Pathogenic/Likely pathogenic. Review status: criteria provided, multiple submitters, no conflicts (2 of 4 stars). 15 submissions from 14 submitters: Pathogenic (12); Likely pathogenic (2). 1 of the submissions does not count toward it. Last evaluated 2025-12-02.

Conditions:
Connective tissue disorder. Also called: Connective tissue disease. Identifiers: MedGen C0009782, MONDO:0003900.
Spondyloepimetaphyseal dysplasia, Strudwick type (SEMDSTWK). Also called: STRUDWICK SYNDROME; DAPPLED METAPHYSIS SYNDROME. Identifiers: Orphanet 93346, MedGen C0700635, MONDO:0008476, OMIM 184250.
Namaqualand hip dysplasia (OSCDP). Also called: Mild spondyloepiphyseal dysplasia due to COL2A1 mutation with early-onset osteoarthritis. Identifiers: Orphanet 93279, MedGen C0432214, MONDO:0011496, OMIM 604864.
Platyspondylic dysplasia, Torrance type (PLSDT). Identifiers: Orphanet 85166, MedGen C1835437, MONDO:0007895, OMIM 151210.
Spondyloepiphyseal dysplasia with metatarsal shortening. Also called: Pseudorheumatoid dysplasia progressive, with hypoplastic toes; CZECH DYSPLASIA, METATARSAL TYPE; SPONDYLOEPIPHYSEAL DYSPLASIA WITH PRECOCIOUS OSTEOARTHRITIS. Identifiers: Orphanet 137678, MedGen C1836683, MONDO:0012206, OMIM 609162.
Stickler syndrome type 1 (STL1). Also called: COL2A1-Related Stickler Syndrome; STICKLER SYNDROME, MEMBRANOUS VITREOUS TYPE; STICKLER SYNDROME, VITREOUS TYPE 1; ARTHROOPHTHALMOPATHY, HEREDITARY PROGRESSIVE. Identifiers: Orphanet 828, Orphanet 90653, MedGen C2020284, MONDO:0007160, OMIM 108300.
Spondyloperipheral dysplasia. Also called: SPONDYLOPERIPHERAL DYSPLASIA WITH SHORT ULNA; Spondyloperipheral dysplasia-short ulna syndrome. Identifiers: Orphanet 1856, MedGen C0796173, MONDO:0010078, OMIM 271700.
Kniest dysplasia. Identifiers: Orphanet 485, MedGen C0265279, MONDO:0007987, OMIM 156550.
Achondrogenesis type II (ACG2). Also called: ACHONDROGENESIS, LANGER-SALDINO TYPE; CHONDROGENESIS IMPERFECTA. Identifiers: Orphanet 932, Orphanet 93296, MedGen C0220685, MONDO:0008702, OMIM 200610.
COL2A1-related disorder. Also called: COL2A1-related condition; COL2A1-related disorders.
Inborn genetic diseases. Identifiers: MedGen C0950123, MeSH D030342.
Type 2 collagenopathy. Identifiers: Orphanet 93421, MedGen C2931073, MONDO:0022800.
Spondyloepiphyseal dysplasia congenita (SEDC). Also called: SED CONGENITA; SPONDYLOEPIPHYSEAL DYSPLASIA, CONGENITAL TYPE. Identifiers: Orphanet 94068, MedGen C2745959, MONDO:0008471, OMIM 183900.

Submissions 1 to 8 of 15:

GeneDx
Classification: Pathogenic. Last evaluated: 2025-12-02. Review status: criteria provided, single submitter. Criteria: GeneDx Variant Classification Process June 2021. Collection method: clinical testing. Allele origin: germline. Affected: yes.
Comment: Not observed at significant frequency in large population cohorts (gnomAD); In silico analysis supports that this missense variant has a deleterious effect on protein structure/function; Occurs in the triple helical domain and replaces a glycine in a canonical Gly-X-Y repeat; missense substitution of a canonical glycine residue is expected to disrupt normal protein folding and function, and this is an established mechanism of disease (PMID: 34007986); Also known as p.(G997S); This variant is associated with the following publications: (PMID: 33908178, 38259611, 8423604, 26626311, 34008892, 15895462, 33057194, 35982159, 25604898, 38028619, 1905723, 34007986)

Labcorp Genetics (formerly Invitae), Labcorp
Classification: Pathogenic. Last evaluated: 2025-09-17. Review status: criteria provided, single submitter. Criteria: Invitae Variant Classification Sherloc (09022015). Collection method: clinical testing. Allele origin: germline.
Comment: This sequence change replaces glycine, which is neutral and non-polar, with serine, which is neutral and polar, at codon 1197 of the COL2A1 protein (p.Gly1197Ser). This variant is not present in population databases (gnomAD no frequency). This missense change has been observed in individual(s) with autosomal dominant spondyloepiphyseal dysplasia congenita or spondyloepimetaphyseal dysplasia (PMID: 1905723, 25604898, 26626311). In at least one individual the variant was observed to be de novo. This variant is also known as Gly997Ser. ClinVar contains an entry for this variant (Variation ID: 17361). Invitae Evidence Modeling of protein sequence and biophysical properties (such as structural, functional, and spatial information, amino acid conservation, physicochemical variation, residue mobility, and thermodynamic stability) indicates that this missense variant is expected to disrupt COL2A1 protein function with a positive predictive value of 95%. This variant disrupts the triple helix domain of COL2A1. Glycine residues within the Gly-Xaa-Yaa repeats of the triple helix domain are required for the structure and stability of fibrillar collagens (PMID: 7695699, 8218237, 19344236). In COL2A1, variants affecting these glycine residues are significantly enriched in individuals with disease (PMID: 9016532, 17078022) compared to the general population (ExAC). For these reasons, this variant has been classified as Pathogenic.

3billion
Classification: Pathogenic for COL2A1-related disorder. Last evaluated: 2025-09-09. Review status: criteria provided, single submitter. Criteria: ACMG Guidelines, 2015. Collection method: clinical testing. Allele origin: germline. Affected: yes.
Comment: The variant is not observed in the gnomAD v4.1.0 dataset. Predicted Consequence/Location: The variant is located in a mutational hot spot and/or well-established functional domain in which established pathogenic variants have been reported (PMID: 26626311). In silico tool predictions suggest damaging effect of the variant on gene or gene product [REVEL: 0.94 (>=0.6, sensitivity 0.68 and specificity 0.92); 3Cnet: 0.92 (> 0.75, sensitivity 0.96 and precision 0.92)]. The same nucleotide change resulting in the same amino acid change has been previously reported as pathogenic/likely pathogenic with strong evidence (ClinVar ID: VCV000017361 /PMID: 1905723 /3billion dataset). Different missense changes at the same codon (p.Gly1197Ala, p.Gly1197Arg, p.Gly1197Asp) have been reported as pathogenic/likely pathogenic with strong evidence (ClinVar ID: VCV000988359, VCV001326882, VCV003776353 /PMID: 33726816, 35052477). Therefore, this variant is classified as Pathogenic according to the recommendation of ACMG/AMP guideline.

Ambry Genetics
Classification: Pathogenic for Inborn genetic diseases. Last evaluated: 2025-02-06. Review status: criteria provided, single submitter. Criteria: Ambry Variant Classification Scheme 2023. Collection method: clinical testing. Allele origin: germline.
Comment: The c.3589G>A (p.G1197S) alteration is located in exon 50 (coding exon 50) of the COL2A1 gene. This alteration results from a G to A substitution at nucleotide position 3589, causing the glycine (G) at amino acid position 1197 to be replaced by a serine (S). This variant was not reported in population-based cohorts in the Genome Aggregation Database (gnomAD). This variant was reported in individual(s) with features consistent with COL2A1-related skeletal dysplasia (Nishimura, 2005; Barat-Houari, 2015; Terhal, 2015; Markova, 2022; Campbell, 2023). Other variant(s) at the same codon, c.3589G>C (p.G1197R) and c.3590G>C (p.G1197A), have been identified in individual(s) with features consistent with COL2A1-related skeletal dysplasia (Markova, 2022; MacCarrick, 2024). This amino acid position is well conserved in available vertebrate species. The p.G1197 amino acid is located within the triple-helical domain of the collagen type II alpha-1 protein chain, and affects one of the highly conserved glycine residues in the Gly-X-Y motif that make up this domain (Ramshaw, 1998). This alteration is predicted to be deleterious by in silico analysis. Based on the available evidence, this alteration is classified as pathogenic.

Revvity Omics, Revvity
Classification: Pathogenic. Last evaluated: 2023-07-03. Review status: criteria provided, single submitter. Criteria: ACMG Guidelines, 2015. Collection method: clinical testing. Allele origin: germline.

Division of Human Genetics, National Health Laboratory Service/University of the Witwatersrand
Classification: Pathogenic for Type 2 collagenopathy. Last evaluated: 2023-07-01. Review status: criteria provided, single submitter. Criteria: ACMG Guidelines, 2015. Collection method: research. Allele origin: germline. Affected: yes.

Mendelics
Classification: Likely pathogenic for Stickler syndrome type 1. Last evaluated: 2022-05-04. Review status: criteria provided, single submitter. Criteria: Mendelics Assertion Criteria 2019. Collection method: clinical testing. Allele origin: germline.

Victorian Clinical Genetics Services, Murdoch Childrens Research Institute
Classification: Pathogenic for Namaqualand hip dysplasia. Last evaluated: 2022-02-02. Review status: criteria provided, single submitter. Criteria: ACMG Guidelines, 2015. Collection method: clinical testing. Allele origin: germline. Inheritance: Autosomal dominant inheritance.
Comment: Based on the classification scheme VCGS_Germline_v1.3.4, this variant is classified as Pathogenic. Following criteria are met: 0103 - Dominant negative and loss of function are known mechanisms of disease in this gene. Missense variants affecting glycine residue exert dominant-negative effect and is commonly associated with spondyloepiphyseal dysplasia (SED) (PMID: 15895462). (I) 0107 - This gene is associated with autosomal dominant disease. (I) 0115 - Variants in this gene are known to have variable expressivity. Intra- and inter-familial phenotypic variability and expressivity has been reported (GeneReviews). (I) 0200 - Variant is predicted to result in a missense amino acid change from glycine to serine. (I) 0251 - This variant is heterozygous. (I) 0301 - Variant is absent from gnomAD (both v2 and v3). (SP) 0501 - Missense variant consistently predicted to be damaging by multiple in silico tools and highly conserved with a minor amino acid change. (SP) 0601 - Variant is located in the well-established functional collagen triple helical domain. The variant affects the glycine of the Gly-X-Y repeat in this domain (DECIPHER). (SP) 0801 - This variant has strong previous evidence of pathogenicity in unrelated individuals. This variant has been reported in at least ten individuals with spondyloepiphyseal dysplasia or spondyloepiphyseal dysplasia congenita (ClinVar, PMIDs: 15895462, 25604898). (SP) Legend: (SP) - Supporting pathogenic, (I) - Information, (SB) - Supporting benign